The following is an entry in ClinVar:

NM_014391.3(ANKRD1):c.553C>G (p.Leu185Val)

Gene: ANKRD1 (ankyrin repeat domain 1; minus strand). Cytogenetic location: 10q23.31.
Variant type: single nucleotide variant.
Coding change: c.553C>G on transcript NM_014391.3 (MANE Select); coding-DNA position 553, C replaced by G.
Protein change: p.Leu185Val; replaces leucine 185 with valine.
Molecular consequence: missense variant.
Genome position (GRCh38, 1-based): chr10:90,916,269, G>C on the plus strand (C>G on the coding strand, the complement: ANKRD1 is on the minus strand). VCF-style: chr10-90916269-G-C. GRCh37 (hg19) VCF-style: chr10-92676026-G-C.
Other names: p.L185V:CTT>GTT; short protein forms L185V.
Identifiers: ClinVar variation 201665 (VCV000201665.10), dbSNP rs794728974, ClinGen allele CA335071.
Genomic context (GRCh38, chr10:90,916,269, plus strand): 5'-ACAATTTTAAAACATCCAGGTTTCCTCCACGGCTTGCCCAGTGGATGGCTGTGGATTCAA[G>C]CTATACCGGGAGGGAAGACCCGACAATGTGAAGGAGAATGTGGTCTGGGGAATTAGAACC-3'
Protein context (NP_055206.2, residues 175-195): AGAQIEFRDM[Leu185Val]ESTAIHWASR

ClinVar aggregate classification (germline): Uncertain significance. Review status: criteria provided, multiple submitters, no conflicts (2 of 4 stars). 2 submissions from 2 submitters: Uncertain significance (2). Last evaluated 2023-06-01.

Conditions:
ANKRD1-related dilated cardiomyopathy. Identifiers: MedGen CN119551.

Allele frequency attached by ClinVar (database versions not stated): gnomAD exomes below 0.00001; gnomAD 0.00001; TOPMed 0.00001.
gnomAD v4.1: 4 of 1,611,784 alleles (0.00025%); highest among the groups gnomAD compares: Non-Finnish European, 0.00034%; no homozygotes.

Submissions (2):

Labcorp Genetics (formerly Invitae), Labcorp
Classification: Uncertain significance for ANKRD1-related dilated cardiomyopathy. Last evaluated: 2023-06-01. Review status: criteria provided, single submitter. Criteria: Invitae Variant Classification Sherloc (09022015). Collection method: clinical testing. Allele origin: germline.
Comment: In summary, the available evidence is currently insufficient to determine the role of this variant in disease. Therefore, it has been classified as a Variant of Uncertain Significance. Algorithms developed to predict the effect of sequence changes on RNA splicing suggest that this variant may create or strengthen a splice site. An algorithm developed to predict the effect of missense changes on protein structure and function (PolyPhen-2) suggests that this variant is likely to be tolerated. ClinVar contains an entry for this variant (Variation ID: 201665). This variant has not been reported in the literature in individuals affected with ANKRD1-related conditions. This variant is not present in population databases (gnomAD no frequency). This sequence change replaces leucine, which is neutral and non-polar, with valine, which is neutral and non-polar, at codon 185 of the ANKRD1 protein (p.Leu185Val).

GeneDx
Classification: Uncertain significance. Last evaluated: 2012-10-24. Review status: criteria provided, single submitter. Criteria: GeneDx Variant Classification (06012015). Collection method: clinical testing. Allele origin: germline. Affected: yes.
Comment: p.Leu185Val (CTT>GTT):c.553 C>G in exon 6 of the ANKRD1 gene (NM_014391.2) The Leu185Val variant in the ANKRD1 gene has not been reported as a disease-causing mutation or as a benign polymorphism to our knowledge. Although Leu185Val results in a conservative amino acid substitution of one non-polar amino acid for another, this substitution occurs at a position that is conserved across species. A nearby conservative amino acid substitution (Met184Ile) has been reported in association with cardiomyopathy and functional studies support Met184Ile being pathogenic (Moulik M et al., 2009). In addition, the NHLBI ESP Exome Variant Server reports Leu185Val was not observed in approximately 6000 samples from individuals of European and African American backgrounds, indicating it is not a common benign variant in these populations. However, in silico analysis predicts Leu185Val to be benign to the protein structure/function and there are no other nearby mutations reported in association with cardiomyopathy in the ANKRD1 gene. With the clinical and molecular information available at this time, we cannot definitively determine if Leu185Val is a disease-causing mutation or a rare benign variant. The variant is found in DCM panel(s).